The following is an entry in ClinVar:

NM_000095.3(COMP):c.842G>A (p.Arg281His)

Gene: COMP (cartilage oligomeric matrix protein; minus strand). Cytogenetic location: 19p13.11.
Variant type: single nucleotide variant.
Coding change: c.842G>A on transcript NM_000095.3 (MANE Select); coding-DNA position 842, G replaced by A.
Protein change: p.Arg281His; replaces arginine 281 with histidine.
Molecular consequence: missense variant.
Genome position (GRCh38, 1-based): chr19:18,788,435, C>T on the plus strand (G>A on the coding strand, the complement: COMP is on the minus strand). VCF-style: chr19-18788435-C-T. GRCh37 (hg19) VCF-style: chr19-18899244-C-T.
Other names: short protein forms R281H.
Identifiers: ClinVar variation 2695834 (VCV002695834.3), dbSNP rs750891747, ClinGen allele CA9316623.

ClinVar aggregate classification (germline): Uncertain significance (1 of 4 stars; one submission).

Allele frequency attached by ClinVar (database versions not stated): ExAC 0.00001.

Submission:

Labcorp Genetics (formerly Invitae), Labcorp
Classification: Uncertain significance. Last evaluated: 2023-06-06. Review status: criteria provided, single submitter. Criteria: Invitae Variant Classification Sherloc (09022015). Collection method: clinical testing. Allele origin: germline.
Comment: Advanced modeling of protein sequence and biophysical properties (such as structural, functional, and spatial information, amino acid conservation, physicochemical variation, residue mobility, and thermodynamic stability) performed at Invitae indicates that this missense variant is not expected to disrupt COMP protein function. In summary, the available evidence is currently insufficient to determine the role of this variant in disease. Therefore, it has been classified as a Variant of Uncertain Significance. This sequence change replaces arginine, which is basic and polar, with histidine, which is basic and polar, at codon 281 of the COMP protein (p.Arg281His). This variant is present in population databases (rs750891747, gnomAD 0.0009%). This variant has not been reported in the literature in individuals affected with COMP-related conditions.